The following is an entry in ClinVar:

NM_000059.4(BRCA2):c.1909G>C (p.Gly637Arg)

Gene: BRCA2 (BRCA2 DNA repair associated; plus strand). Cytogenetic location: 13q13.1.
Variant type: single nucleotide variant.
Coding change: c.1909G>C on transcript NM_000059.4 (MANE Select); coding-DNA position 1909, G replaced by C.
Protein change: p.Gly637Arg; replaces glycine 637 with arginine.
Molecular consequence: missense variant. On other transcripts: non-coding transcript variant (1), intron variant (1).
Genome position (GRCh38, 1-based): chr13:32,333,387, G>C. VCF-style: chr13-32333387-G-C. GRCh37 (hg19) VCF-style: chr13-32907524-G-C.
Other names: c.1909G>C, p.Gly637Arg (NM_001406719.1, NM_001406720.1, NM_001406721.1); c.424+2357G>C (NM_001406722.1); short protein forms G637R.
Identifiers: ClinVar variation 2853111 (VCV002853111.3), dbSNP rs1414106706, ClinGen allele CA387767395.

ClinVar aggregate classification (germline): Uncertain significance (1 of 4 stars; one submission).

Conditions:
Hereditary breast ovarian cancer syndrome. Also called: Hereditary breast and ovarian cancer syndrome (HBOC); Hereditary breast and ovarian cancer syndrome; Breast and ovarian cancer; BRCA1- and BRCA2-Associated Hereditary Breast and Ovarian Cancer; Hereditary breast and ovarian cancer; Hereditary breast and/or ovarian cancer syndrome. Identifiers: Orphanet 145, MedGen C0677776, MeSH D061325, MONDO:0003582. Disease mechanism: loss of function.

Submission:

Labcorp Genetics (formerly Invitae), Labcorp
Classification: Uncertain significance for Hereditary breast ovarian cancer syndrome. Last evaluated: 2023-04-14. Review status: criteria provided, single submitter. Criteria: Invitae Variant Classification Sherloc (09022015). Collection method: clinical testing. Allele origin: germline.
Comment: Variants that disrupt the consensus splice site are a relatively common cause of aberrant splicing (PMID: 17576681, 9536098). Algorithms developed to predict the effect of sequence changes on RNA splicing suggest that this variant may disrupt the consensus splice site. In summary, the available evidence is currently insufficient to determine the role of this variant in disease. Therefore, it has been classified as a Variant of Uncertain Significance. An algorithm developed to predict the effect of missense changes on protein structure and function (PolyPhen-2) suggests that this variant is likely to be disruptive. This variant has not been reported in the literature in individuals affected with BRCA2-related conditions. This variant is not present in population databases (gnomAD no frequency). This sequence change replaces glycine, which is neutral and non-polar, with arginine, which is basic and polar, at codon 637 of the BRCA2 protein (p.Gly637Arg). This variant also falls at the last nucleotide of exon 10, which is part of the consensus splice site for this exon.

Literature cited by the submitters: PubMed 17576681; PubMed 9536098.